The following is an entry in ClinVar:

ClinVar aggregate classification (germline): Uncertain significance (1 of 4 stars; one submission).

Conditions:
Dilated cardiomyopathy 1J (CMD1J). Also called: CARDIOMYOPATHY, DILATED, WITH SENSORINEURAL HEARING LOSS, AUTOSOMAL DOMINANT. Identifiers: Orphanet 217622, MedGen C1854368, MONDO:0011541, OMIM 605362.

Allele frequency attached by ClinVar (database versions not stated): TOPMed below 0.00001.

Submission:

Labcorp Genetics (formerly Invitae), Labcorp
Classification: Uncertain significance for Dilated cardiomyopathy 1J. Last evaluated: 2018-03-28. Review status: criteria provided, single submitter. Criteria: Invitae Variant Classification Sherloc (09022015). Collection method: clinical testing. Allele origin: germline.
Comment: In summary, the available evidence is currently insufficient to determine the role of this variant in disease. Therefore, it has been classified as a Variant of Uncertain Significance. Algorithms developed to predict the effect of sequence changes on RNA splicing suggest that this variant may disrupt the consensus splice site, but this prediction has not been confirmed by published transcriptional studies. This variant has not been reported in the literature in individuals with EYA4-related disease. This variant is not present in population databases (ExAC no frequency). This sequence change falls in intron 4 of the EYA4 gene. It does not directly change the encoded amino acid sequence of the EYA4 protein.

NM_004100.5(EYA4):c.209-10C>A

Gene: EYA4 (EYA transcriptional coactivator and phosphatase 4; plus strand). Cytogenetic location: 6q23.2.
Variant type: single nucleotide variant.
Coding change: c.209-10C>A on transcript NM_004100.5 (MANE Select); 10 bases into the intron before coding-DNA position 209, C replaced by A.
Molecular consequence: intron variant.
Genome position (GRCh38, 1-based): chr6:133,448,101, C>A. VCF-style: chr6-133448101-C-A. GRCh37 (hg19) VCF-style: chr6-133769239-C-A.
Other names: c.209-10C>A (NM_001301013.2, NM_172105.4); c.208+1347C>A (NM_001370458.1, NM_172103.4, NM_001370459.1 and 1 more transcripts).
Identifiers: ClinVar variation 567220 (VCV000567220.8), dbSNP rs1562433382, ClinGen allele CA891842898.